The following is an entry in ClinVar:

NM_001355436.2(SPTB):c.2575G>A (p.Ala859Thr)

Gene: SPTB (spectrin beta, erythrocytic; minus strand). Cytogenetic location: 14q23.3.
Variant type: single nucleotide variant.
Coding change: c.2575G>A on transcript NM_001355436.2 (MANE Select); coding-DNA position 2575, G replaced by A.
Protein change: p.Ala859Thr; replaces alanine 859 with threonine.
Molecular consequence: missense variant.
Genome position (GRCh38, 1-based): chr14:64,793,088, C>T on the plus strand (G>A on the coding strand, the complement: SPTB is on the minus strand). VCF-style: chr14-64793088-C-T. GRCh37 (hg19) VCF-style: chr14-65259806-C-T.
Other names: c.2575G>A, p.Ala859Thr (NM_001024858.4, NM_001355437.2); short protein forms A859T.
Identifiers: ClinVar variation 2636188 (VCV002636188.1), dbSNP rs942424375, ClinGen allele CA262647018.
Genomic context (GRCh38, chr14:64,793,088, plus strand): 5'-TGTCTGGCATTTCCATCTCGGCCAGCCACTTCTCCTTCTCTCCCATCCACAGCTCACAGG[C>T]GTCTGTCTCCCCGAACACCGTGTACAGGTCCAGGGCTTCCTGCAGCCTCTGCTGACGCAG-3'
Protein context (NP_001342365.1, residues 849-869): DLYTVFGETD[Ala859Thr]CELWMGEKEK

ClinVar aggregate classification (germline): Uncertain significance (1 of 4 stars; one submission).

Conditions:
SPTB-related disorder. Also called: SPTB-related condition; SPTB-Related Disorders.

Allele frequency attached by ClinVar (database versions not stated): gnomAD exomes below 0.00001; gnomAD 0.00001; TOPMed 0.00002.
gnomAD v4.1: 7 of 1,614,018 alleles (0.00043%); highest among the groups gnomAD compares: African/African-American, 0.0013%; no homozygotes.

Submission:

PreventionGenetics, part of Exact Sciences
Classification: Uncertain significance for SPTB-related condition. Last evaluated: 2023-05-19. Review status: criteria provided, single submitter. Criteria: ACMG Guidelines, 2015. Collection method: clinical testing. Allele origin: germline.
Comment: The SPTB c.2575G>A variant is predicted to result in the amino acid substitution p.Ala859Thr. To our knowledge, this variant has not been reported in the literature. This variant is reported in 0.011% of alleles in individuals of African descent in gnomAD. At this time, the clinical significance of this variant is uncertain due to the absence of conclusive functional and genetic evidence.